The following is an entry in ClinVar:

ClinVar aggregate classification (germline): Uncertain significance. Review status: criteria provided, multiple submitters, no conflicts (2 of 4 stars). 2 submissions from 2 submitters: Uncertain significance (2). Last evaluated 2025-06-12.

Submissions (2):

Athena Diagnostics
Classification: Uncertain significance. Last evaluated: 2025-06-12. Review status: criteria provided, single submitter. Criteria: Athena Diagnostics Criteria. Collection method: clinical testing. Allele origin: unknown.
Comment: Available data are insufficient to determine the clinical significance of the variant at this time. The frequency of this variant in the general population is uninformative in assessment of its pathogenicity. Computational tools yielded predictions that this variant is unlikely to have an effect on normal RNA splicing.

GeneDx
Classification: Uncertain significance. Last evaluated: 2022-05-16. Review status: criteria provided, single submitter. Criteria: GeneDx Variant Classification Process June 2021. Collection method: clinical testing. Allele origin: germline. Affected: yes.
Comment: In-frame duplication of 1 amino acids in a non-repeat region; Has not been previously published as pathogenic or benign to our knowledge

NM_198994.3(TGM6):c.1286_1288dup (p.Val429_Gly430insVal)

Gene: TGM6 (transglutaminase 6; plus strand). Cytogenetic location: 20p13.
Variant type: Duplication.
Coding change: c.1286_1288dup on transcript NM_198994.3 (MANE Select); coding-DNA positions 1286 to 1288, 3 bases duplicated (TGG; older notation c.1286_1288dupTGG).
Protein change: p.Val429_Gly430insVal.
Molecular consequence: inframe insertion.
Genome position (GRCh38, 1-based): chr20:2,403,773-2,403,775, TGG duplicated; duplicating any 3 consecutive bases within chr20:2,403,771-2,403,775 gives the same sequence; the c. name uses the placement nearest the transcript's 3' end. VCF-style (leftmost placement, unchanged base first): chr20-2403770-C-CGGT. GRCh37 (hg19) VCF-style: chr20-2384416-C-CGGT.
Other names: c.1286_1288dup, p.Val429_Gly430insVal (NM_001254734.2).
Identifiers: ClinVar variation 1800715 (VCV001800715.2), dbSNP rs1324847966, ClinGen allele CA634327234.